The following is an entry in ClinVar:

ClinVar aggregate classification (germline): Uncertain significance (1 of 4 stars; one submission).

Submission:

Labcorp Genetics (formerly Invitae), Labcorp
Classification: Uncertain significance. Last evaluated: 2025-03-10. Review status: criteria provided, single submitter. Criteria: Invitae Variant Classification Sherloc (09022015). Collection method: clinical testing. Allele origin: germline.
Comment: This sequence change falls in intron 61 of the COL11A1 gene. It does not directly change the encoded amino acid sequence of the COL11A1 protein. It affects a nucleotide within the consensus splice site. This variant is not present in population databases (gnomAD no frequency). This variant has not been reported in the literature in individuals affected with COL11A1-related conditions. Variants that disrupt the consensus splice site are a relatively common cause of aberrant splicing (PMID: 17576681, 9536098). Algorithms developed to predict the effect of sequence changes on RNA splicing suggest that this variant may disrupt the consensus splice site. In summary, the available evidence is currently insufficient to determine the role of this variant in disease. Therefore, it has been classified as a Variant of Uncertain Significance.

Literature cited by the submitters: PubMed 17576681; PubMed 9536098.

NM_001854.4(COL11A1):c.4554+6T>C

Gene: COL11A1 (collagen type XI alpha 1 chain; minus strand). Cytogenetic location: 1p21.1.
Variant type: single nucleotide variant.
Coding change: c.4554+6T>C on transcript NM_001854.4 (MANE Select); 6 bases into the intron after coding-DNA position 4554, T replaced by C.
Molecular consequence: intron variant.
Genome position (GRCh38, 1-based): chr1:102,888,717, A>G on the plus strand (T>C on the coding strand, the complement: COL11A1 is on the minus strand). VCF-style: chr1-102888717-A-G. GRCh37 (hg19) VCF-style: chr1-103354273-A-G.
Other names: c.4437+6T>C (NM_001190709.2); c.4590+6T>C (NM_080629.3); c.4206+6T>C (NM_080630.4).
Identifiers: ClinVar variation 4714774 (VCV004714774.1).